The following is an entry in ClinVar:

ClinVar aggregate classification (germline): Uncertain significance (1 of 4 stars; one submission).

Conditions:
Hypertrophic cardiomyopathy. Also called: HYPERTROPHIC MYOCARDIOPATHY. Identifiers: Orphanet 217569, MedGen C0007194, MeSH D002312, MONDO:0005045, HP:0001639.

Submission:

Labcorp Genetics (formerly Invitae), Labcorp
Classification: Uncertain significance for Hypertrophic cardiomyopathy. Last evaluated: 2024-10-09. Review status: criteria provided, single submitter. Criteria: Invitae Variant Classification Sherloc (09022015). Collection method: clinical testing. Allele origin: germline.
Comment: This sequence change replaces leucine, which is neutral and non-polar, with proline, which is neutral and non-polar, at codon 137 of the MYL3 protein (p.Leu137Pro). This variant is not present in population databases (gnomAD no frequency). This variant has not been reported in the literature in individuals affected with MYL3-related conditions. An algorithm developed to predict the effect of missense changes on protein structure and function (PolyPhen-2) suggests that this variant is likely to be disruptive. In summary, the available evidence is currently insufficient to determine the role of this variant in disease. Therefore, it has been classified as a Variant of Uncertain Significance.

NM_000258.3(MYL3):c.410T>C (p.Leu137Pro)

Gene: MYL3 (myosin light chain 3; minus strand). Cytogenetic location: 3p21.31.
Variant type: single nucleotide variant.
Coding change: c.410T>C on transcript NM_000258.3 (MANE Select); coding-DNA position 410, T replaced by C.
Protein change: p.Leu137Pro; replaces leucine 137 with proline.
Molecular consequence: missense variant.
Genome position (GRCh38, 1-based): chr3:46,859,546, A>G on the plus strand (T>C on the coding strand, the complement: MYL3 is on the minus strand). VCF-style: chr3-46859546-A-G. GRCh37 (hg19) VCF-style: chr3-46901036-A-G.
Other names: c.410T>C, p.Leu137Pro (NM_001406937.1, NM_001406938.1, NM_001406939.1); c.236T>C, p.Leu79Pro (NM_001406940.1, NM_001406941.1); short protein forms L137P, L79P.
Identifiers: ClinVar variation 3617840 (VCV003617840.2).